The following is an entry in ClinVar:

ClinVar aggregate classification (germline): Likely benign. Review status: criteria provided, multiple submitters, no conflicts (2 of 4 stars). 4 submissions from 4 submitters: Likely benign (4). Last evaluated 2026-01-28.

Conditions:
Inborn genetic diseases. Identifiers: MedGen C0950123, MeSH D030342.
Neuronal ceroid lipofuscinosis. Also called: Neuronal Ceroid Lipofuscinoses. Identifiers: Orphanet 216, Orphanet 79263, MedGen C0027877, MONDO:0016295. Disease mechanism: loss of function.

Allele frequency attached by ClinVar (database versions not stated): gnomAD exomes below 0.00001 and 0.00001; TOPMed 0.00002.
gnomAD v4.1: 18 of 1,613,686 alleles (0.0011%); highest among the groups gnomAD compares: Middle Eastern, 0.016%; 1 homozygote.

Submissions (4):

Labcorp Genetics (formerly Invitae), Labcorp
Classification: Likely benign for Neuronal ceroid lipofuscinosis. Last evaluated: 2026-01-28. Review status: criteria provided, single submitter. Criteria: Invitae Variant Classification Sherloc (09022015). Collection method: clinical testing. Allele origin: germline.

Blueprint Genetics
Classification: Likely benign. Last evaluated: 2023-09-29. Review status: criteria provided, single submitter. Criteria: ACMG Guidelines, 2015. Collection method: clinical testing. Allele origin: germline.

GeneDx
Classification: Likely benign. Last evaluated: 2018-05-24. Review status: criteria provided, single submitter. Criteria: GeneDx Variant Classification (06012015). Collection method: clinical testing. Allele origin: germline. Affected: yes.
Comment: This variant is considered likely benign or benign based on one or more of the following criteria: it is a conservative change, it occurs at a poorly conserved position in the protein, it is predicted to be benign by multiple in silico algorithms, and/or has population frequency not consistent with disease.

Ambry Genetics
Classification: Likely benign for Inborn genetic diseases. Last evaluated: 2017-11-02. Review status: criteria provided, single submitter. Criteria: Ambry Variant Classification Scheme 2023. Collection method: clinical testing. Allele origin: germline.

NM_001909.5(CTSD):c.1023G>A (p.Lys341=)

Gene: CTSD (cathepsin D; minus strand). Cytogenetic location: 11p15.5.
Variant type: single nucleotide variant.
Coding change: c.1023G>A on transcript NM_001909.5 (MANE Select); coding-DNA position 1023, G replaced by A.
Protein change: p.Lys341=; no amino-acid change (lysine 341 retained).
Molecular consequence: synonymous variant.
Genome position (GRCh38, 1-based): chr11:1,753,851, C>T on the plus strand (G>A on the coding strand, the complement: CTSD is on the minus strand). VCF-style: chr11-1753851-C-T. GRCh37 (hg19) VCF-style: chr11-1775081-C-T.
Identifiers: ClinVar variation 527773 (VCV000527773.14), dbSNP rs111849172, ClinGen allele CA216169343.